The following is an entry in ClinVar:

ClinVar aggregate classification (germline): Uncertain significance. Review status: criteria provided, multiple submitters, no conflicts (2 of 4 stars). 2 submissions from 2 submitters: Uncertain significance (2). Last evaluated 2024-03-28.

Conditions:
Spastic paraplegia. Identifiers: MedGen C0037772, HP:0001258.

Allele frequency attached by ClinVar (database versions not stated): gnomAD 0.00001; gnomAD exomes 0.00001; TOPMed 0.00002; ExAC 0.00003.
gnomAD v4.1: 19 of 1,614,140 alleles (0.0012%); highest among the groups gnomAD compares: Non-Finnish European, 0.0015%; no homozygotes.

Submissions (2):

Labcorp Genetics (formerly Invitae), Labcorp
Classification: Uncertain significance for Spastic paraplegia. Last evaluated: 2024-03-28. Review status: criteria provided, single submitter. Criteria: Invitae Variant Classification Sherloc (09022015). Collection method: clinical testing. Allele origin: germline.
Comment: This sequence change replaces arginine, which is basic and polar, with glutamine, which is neutral and polar, at codon 68 of the VAMP1 protein (p.Arg68Gln). This variant is present in population databases (rs748103058, gnomAD 0.004%). This variant has not been reported in the literature in individuals affected with VAMP1-related conditions. ClinVar contains an entry for this variant (Variation ID: 2416431). An algorithm developed to predict the effect of missense changes on protein structure and function (PolyPhen-2) suggests that this variant is likely to be disruptive. In summary, the available evidence is currently insufficient to determine the role of this variant in disease. Therefore, it has been classified as a Variant of Uncertain Significance.

Revvity Omics, Revvity
Classification: Uncertain significance. Last evaluated: 2022-08-19. Review status: criteria provided, single submitter. Criteria: ACMG Guidelines, 2015. Collection method: clinical testing. Allele origin: germline.

NM_014231.5(VAMP1):c.203G>A (p.Arg68Gln)

Genes: TAPBPL (TAP binding protein like; plus strand), VAMP1 (vesicle associated membrane protein 1; minus strand). Cytogenetic location: 12p13.31.
Variant type: single nucleotide variant.
Coding change: c.203G>A on transcript NM_014231.5 (MANE Select); coding-DNA position 203, G replaced by A.
Protein change: p.Arg68Gln; replaces arginine 68 with glutamine.
Molecular consequence: missense variant. On other transcripts: non-coding transcript variant (1).
Genome position (GRCh38, 1-based): chr12:6,465,927, C>T on the plus strand (G>A on the coding strand, the complement: VAMP1 is on the minus strand). VCF-style: chr12-6465927-C-T. GRCh37 (hg19) VCF-style: chr12-6575093-C-T.
Other names: c.203G>A, p.Arg68Gln (NM_001297438.2, NM_016830.4, NM_199245.3); short protein forms R68Q.
Identifiers: ClinVar variation 2416431 (VCV002416431.10), dbSNP rs748103058, ClinGen allele CA6407683.
Genomic context (GRCh38, chr12:6,465,927, plus strand): 5'-CTCTTTAGCTTGGCAGCACTGCTCTCAAATTGTGATGCTCCTGCCTGCAAGGCATCAGCT[C>T]GGTCATCCAGCTCTGACAGCTTCTGGTCCCTCTCCAGGACCTTGTCCACGTTCACACGTA-3'
Protein context (NP_055046.1, residues 58-78): RDQKLSELDD[Arg68Gln]ADALQAGASQ